The following is an entry in ClinVar:

NM_000044.6(AR):c.1972C>T (p.Gln658Ter)

Gene: AR (androgen receptor; plus strand). Cytogenetic location: Xq12.
Variant type: single nucleotide variant.
Coding change: c.1972C>T on transcript NM_000044.6 (MANE Select); coding-DNA position 1972, C replaced by T.
Protein change: p.Gln658Ter; replaces glutamine 658 with a stop codon.
Molecular consequence: nonsense.
Genome position (GRCh38, 1-based): chrX:67,711,488, C>T. VCF-style: chrX-67711488-C-T. GRCh37 (hg19) VCF-style: chrX-66931330-C-T.
Other names: c.376C>T, p.Gln126Ter (NM_001011645.3); c.1975C>T, p.Gln659Ter (NM_001424175.1); short protein forms Q126*, Q658*, Q659*.
Identifiers: ClinVar variation 2925676 (VCV002925676.3), dbSNP rs2147524430, ClinGen allele CA413423135.
Genomic context (GRCh38, chrX:67,711,488, plus strand): 5'-CTGAAACTACAGGAGGAAGGAGAGGCTTCCAGCACCACCAGCCCCACTGAGGAGACAACC[C>T]AGAAGCTGACAGTGTCACACATTGAAGGCTATGAATGTCAGCCCATCTTTCTGAATGTCC-3'

ClinVar aggregate classification (germline): Pathogenic (1 of 4 stars; one submission).

Conditions:
Kennedy disease (SMAX1). Also called: SPINAL AND BULBAR MUSCULAR ATROPHY, X-LINKED 1; KENNEDY SPINAL AND BULBAR MUSCULAR ATROPHY; Spinal and Bulbar Muscular Atrophy. Identifiers: Orphanet 481, MedGen C1839259, MONDO:0010735, OMIM 313200.
Androgen resistance syndrome (AIS). Also called: DHTR DEFICIENCY; DIHYDROTESTOSTERONE RECEPTOR DEFICIENCY; ANDROGEN RECEPTOR DEFICIENCY; TESTICULAR FEMINIZATION SYNDROME; Androgen insensitivity syndrome; Androgen insensitivity. Identifiers: Orphanet 754, Orphanet 99429, MedGen C0039585, MONDO:0019154, OMIM 300068. Disease mechanism: loss of function.

Submission:

Labcorp Genetics (formerly Invitae), Labcorp
Classification: Pathogenic for Kennedy disease; Androgen resistance syndrome. Last evaluated: 2023-09-04. Review status: criteria provided, single submitter. Criteria: Invitae Variant Classification Sherloc (09022015). Collection method: clinical testing. Allele origin: germline.
Comment: This premature translational stop signal has been observed in individual(s) with androgen insensitivity syndrome (PMID: 11260228). For these reasons, this variant has been classified as Pathogenic. This variant is not present in population databases (gnomAD no frequency). This sequence change creates a premature translational stop signal (p.Gln658*) in the AR gene. It is expected to result in an absent or disrupted protein product. Loss-of-function variants in AR are known to be pathogenic (PMID: 19463997).

Literature cited by the submitters: PubMed 11260228; PubMed 19463997.